The following is an entry in ClinVar:

NM_000361.3(THBD):c.278C>T (p.Pro93Leu)

Gene: THBD (thrombomodulin; minus strand). Cytogenetic location: 20p11.21.
Variant type: single nucleotide variant.
Coding change: c.278C>T on transcript NM_000361.3 (MANE Select); coding-DNA position 278, C replaced by T.
Protein change: p.Pro93Leu; replaces proline 93 with leucine.
Molecular consequence: missense variant.
Genome position (GRCh38, 1-based): chr20:23,049,227, G>A on the plus strand (C>T on the coding strand, the complement: THBD is on the minus strand). VCF-style: chr20-23049227-G-A. GRCh37 (hg19) VCF-style: chr20-23029864-G-A.
Other names: short protein forms P93L.
Identifiers: ClinVar variation 2002506 (VCV002002506.4), dbSNP rs1413565632, ClinGen allele CA408408022.

ClinVar aggregate classification (germline): Uncertain significance (1 of 4 stars; one submission).

Allele frequency attached by ClinVar (database versions not stated): gnomAD exomes below 0.00001.

Submission:

Labcorp Genetics (formerly Invitae), Labcorp
Classification: Uncertain significance. Last evaluated: 2022-09-27. Review status: criteria provided, single submitter. Criteria: Invitae Variant Classification Sherloc (09022015). Collection method: clinical testing. Allele origin: germline.
Comment: This variant is present in population databases (no rsID available, gnomAD 0.004%). This sequence change replaces proline, which is neutral and non-polar, with leucine, which is neutral and non-polar, at codon 93 of the THBD protein (p.Pro93Leu). This variant has not been reported in the literature in individuals affected with THBD-related conditions. In summary, the available evidence is currently insufficient to determine the role of this variant in disease. Therefore, it has been classified as a Variant of Uncertain Significance. Advanced modeling of protein sequence and biophysical properties (such as structural, functional, and spatial information, amino acid conservation, physicochemical variation, residue mobility, and thermodynamic stability) performed at Invitae indicates that this missense variant is not expected to disrupt THBD protein function.